The following is an entry in ClinVar:

ClinVar aggregate classification (germline): Uncertain significance (1 of 4 stars; one submission).

Conditions:
Familial adenomatous polyposis 1 (FAP1). Also called: FAMILIAL ADENOMATOUS POLYPOSIS 1, ATTENUATED; POLYPOSIS, ADENOMATOUS INTESTINAL. Identifiers: MedGen C2713442, MONDO:0021056, OMIM 175100. Disease mechanism: loss of function.

Submission:

Labcorp Genetics (formerly Invitae), Labcorp
Classification: Uncertain significance for Familial adenomatous polyposis 1. Last evaluated: 2025-03-26. Review status: criteria provided, single submitter. Criteria: Invitae Variant Classification Sherloc (09022015). Collection method: clinical testing. Allele origin: germline.
Comment: This variant occurs in a non-coding region of the APC gene. It does not change the encoded amino acid sequence of the APC protein. This variant is not present in population databases (gnomAD no frequency). This variant has not been reported in the literature in individuals affected with APC-related conditions. Experimental studies and prediction algorithms are not available or were not evaluated, and the functional significance of this variant is currently unknown. In summary, the available evidence is currently insufficient to determine the role of this variant in disease. Therefore, it has been classified as a Variant of Uncertain Significance.

NM_001127511.3(APC):c.-213A>C

Genes: APC (APC regulator of Wnt signaling pathway; plus strand), LOC129994371 (ATAC-STARR-seq lymphoblastoid active region 22910; plus strand). Cytogenetic location: 5q22.2.
Variant type: single nucleotide variant.
Coding change: c.-213A>C on transcript NM_001127511.3; 213 bases upstream of the start codon, A replaced by C.
Molecular consequence: 5 prime UTR variant. On other transcripts: non-coding transcript variant (2).
Genome position (GRCh38, 1-based): chr5:112,707,505, A>C. VCF-style: chr5-112707505-A-C. GRCh37 (hg19) VCF-style: chr5-112043202-A-C.
Other names: c.-396A>C (NM_001354895.2, NM_001407447.1, NM_001407452.1 and 3 more transcripts); c.-213A>C (NM_001354897.2, NM_001354902.2, NM_001407446.1); c.-163A>C (NM_001407448.1, NM_001407450.1, NM_001407457.1 and 1 more transcripts); c.-187A>C (NM_001407453.1); c.-1431A>C (NM_001407470.1, NM_001407472.1).
Identifiers: ClinVar variation 2739242 (VCV002739242.3), dbSNP rs1554060181, ClinGen allele CA2674863484.